The following is an entry in ClinVar:

ClinVar aggregate classification (germline): Pathogenic/Likely pathogenic. Review status: criteria provided, multiple submitters, no conflicts (2 of 4 stars). 3 submissions from 3 submitters: Pathogenic (1); Likely pathogenic (2). Last evaluated 2025-08-11.

Conditions:
Autosomal recessive limb-girdle muscular dystrophy type 2K. Also called: MUSCULAR DYSTROPHY-DYSTROGLYCANOPATHY (LIMB-GIRDLE), TYPE C, 1; MUSCULAR DYSTROPHY, LIMB-GIRDLE, TYPE 2K. Identifiers: Orphanet 86812, MedGen C1836373, MONDO:0012248, OMIM 609308.
Walker-Warburg congenital muscular dystrophy. Also called: Muscular dystrophy-dystroglycanopathy, type A; Walker-Warburg syndrome. Identifiers: Orphanet 899, MedGen C0265221, MONDO:0000171.
Muscular dystrophy-dystroglycanopathy (congenital with impaired intellectual development), type B, 1. Also called: Muscular dystrophy-dystroglycanopathy (congenital with intellectual disability), type B1; MUSCULAR DYSTROPHY, CONGENITAL, POMT1-RELATED. Identifiers: MedGen C5436962, MONDO:0013159, OMIM 613155.
Muscular dystrophy-dystroglycanopathy (congenital with brain and eye anomalies), type A1 (MDDGA1). Also called: Muscular dystrophy-dystroglycanopathy (congenital with brain and eye anomalies), type A, 1; WALKER-WARBURG SYNDROME OR MUSCLE-EYE-BRAIN DISEASE, POMT1-RELATED; Hydrocephalus, agyria and retinal dysplasia; Hard +/- E syndrome; Warburg syndrome; Chemke syndrome. Identifiers: Orphanet 588, Orphanet 899, MedGen C4284790, MONDO:0009364, OMIM 236670.

Allele frequency attached by ClinVar (database versions not stated): TOPMed 0.00001.

Submissions (3):

Labcorp Genetics (formerly Invitae), Labcorp
Classification: Pathogenic for Muscular dystrophy-dystroglycanopathy (congenital with impaired intellectual development), type B, 1; Walker-Warburg congenital muscular dystrophy; Autosomal recessive limb-girdle muscular dystrophy type 2K. Last evaluated: 2025-08-11. Review status: criteria provided, single submitter. Criteria: Invitae Variant Classification Sherloc (09022015). Collection method: clinical testing. Allele origin: germline.
Comment: This sequence change affects a donor splice site in intron 7 of the POMT1 gene. It is expected to disrupt RNA splicing. Variants that disrupt the donor or acceptor splice site typically lead to a loss of protein function (PMID: 16199547), and loss-of-function variants in POMT1 are known to be pathogenic (PMID: 12369018, 15637732, 16575835). This variant is not present in population databases (gnomAD no frequency). This variant has not been reported in the literature in individuals affected with POMT1-related conditions. ClinVar contains an entry for this variant (Variation ID: 538720). Algorithms developed to predict the effect of sequence changes on RNA splicing suggest that this variant may disrupt the consensus splice site. This variant disrupts the c.605+1G nucleotide in the POMT1 gene. Other variant(s) that disrupt this nucleotide have been determined to be pathogenic (PMID: 17559086, 22323514). This suggests that this nucleotide is clinically significant, and that variants that disrupt this position are likely to be disease-causing. For these reasons, this variant has been classified as Pathogenic.

Fulgent Genetics
Classification: Likely pathogenic for Muscular dystrophy-dystroglycanopathy (congenital with brain and eye anomalies), type A1; Autosomal recessive limb-girdle muscular dystrophy type 2K; Muscular dystrophy-dystroglycanopathy (congenital with impaired intellectual development), type B, 1. Last evaluated: 2024-03-19. Review status: criteria provided, single submitter. Criteria: ACMG Guidelines, 2015. Collection method: clinical testing. Allele origin: germline.

Baylor Genetics
Classification: Likely pathogenic for Muscular dystrophy-dystroglycanopathy (congenital with brain and eye anomalies), type A1. Last evaluated: 2023-10-10. Review status: criteria provided, single submitter. Criteria: ACMG Guidelines, 2015. Collection method: clinical testing. Allele origin: unknown.

Literature cited by the submitters: PubMed 16199547 (cited by Labcorp Genetics (formerly Invitae), Labcorp); PubMed 12369018 (cited by Labcorp Genetics (formerly Invitae), Labcorp); PubMed 15637732 (cited by Labcorp Genetics (formerly Invitae), Labcorp); PubMed 16575835 (cited by Labcorp Genetics (formerly Invitae), Labcorp); PubMed 17559086 (cited by Labcorp Genetics (formerly Invitae), Labcorp); PubMed 22323514 (cited by Labcorp Genetics (formerly Invitae), Labcorp).

NM_001077365.2(POMT1):c.605+1G>C

Gene: POMT1 (protein O-mannosyltransferase 1; plus strand). Cytogenetic location: 9q34.13.
Variant type: single nucleotide variant.
Coding change: c.605+1G>C on transcript NM_001077365.2 (MANE Select); the canonical splice donor site of the intron after coding-DNA position 605, G replaced by C.
Molecular consequence: splice donor variant.
Genome position (GRCh38, 1-based): chr9:131,509,809, G>C. VCF-style: chr9-131509809-G-C. GRCh37 (hg19) VCF-style: chr9-134385196-G-C.
Other names: c.443+1G>C (NM_001353198.2, NM_001353194.2, NM_001374689.1 and 3 more transcripts); c.605+1G>C (NM_001353193.2, NM_001136113.2, NM_007171.4 and 1 more transcripts); c.254+1G>C (NM_001374691.1, NM_001353195.2, NM_001374692.1 and 2 more transcripts); c.515+1G>C (NM_001353196.2); c.149+1G>C (NM_001374695.1, NM_001353200.2); c.-532+1G>C (NM_001411024.1).
Identifiers: ClinVar variation 538720 (VCV000538720.14), dbSNP rs766648827, ClinGen allele CA375307262.